The following is an entry in ClinVar:

ClinVar aggregate classification (germline): Uncertain significance. Review status: criteria provided, multiple submitters, no conflicts (2 of 4 stars). 3 submissions from 3 submitters: Uncertain significance (3). Last evaluated 2024-02-25.

Conditions:
Hereditary cancer-predisposing syndrome. Also called: Hereditary neoplastic syndrome; Neoplastic Syndromes, Hereditary; Tumor predisposition; Hereditary Cancer Syndrome. Identifiers: Orphanet 140162, MedGen C0027672, MeSH D009386, MONDO:0015356.
Peutz-Jeghers syndrome (PJS). Also called: POLYPOSIS, HAMARTOMATOUS INTESTINAL; POLYPS-AND-SPOTS SYNDROME; Peutz-Jeghers polyposis; Periorificial lentiginosis syndrome. Identifiers: Orphanet 2869, MedGen C0031269, MeSH D010580, MONDO:0008280, OMIM 175200.

Allele frequency attached by ClinVar (database versions not stated): gnomAD exomes below 0.00001.

Submissions (3):

Labcorp Genetics (formerly Invitae), Labcorp
Classification: Uncertain significance for Peutz-Jeghers syndrome. Last evaluated: 2024-02-25. Review status: criteria provided, single submitter. Criteria: Invitae Variant Classification Sherloc (09022015). Collection method: clinical testing. Allele origin: germline.
Comment: This sequence change replaces methionine, which is neutral and non-polar, with threonine, which is neutral and polar, at codon 18 of the STK11 protein (p.Met18Thr). This variant is not present in population databases (gnomAD no frequency). This variant has not been reported in the literature in individuals affected with STK11-related conditions. ClinVar contains an entry for this variant (Variation ID: 480712). Advanced modeling of protein sequence and biophysical properties (such as structural, functional, and spatial information, amino acid conservation, physicochemical variation, residue mobility, and thermodynamic stability) performed at Invitae indicates that this missense variant is not expected to disrupt STK11 protein function with a negative predictive value of 95%. In summary, the available evidence is currently insufficient to determine the role of this variant in disease. Therefore, it has been classified as a Variant of Uncertain Significance.

Ambry Genetics
Classification: Uncertain significance for Hereditary cancer-predisposing syndrome. Last evaluated: 2023-10-11. Review status: criteria provided, single submitter. Criteria: Ambry Variant Classification Scheme 2023. Collection method: clinical testing. Allele origin: germline.
Comment: The p.M18T variant (also known as c.53T>C), located in coding exon 1 of the STK11 gene, results from a T to C substitution at nucleotide position 53. The methionine at codon 18 is replaced by threonine, an amino acid with similar properties. This amino acid position is well conserved in available vertebrate species. In addition, the in silico prediction for this alteration is inconclusive. Since supporting evidence is limited at this time, the clinical significance of this alteration remains unclear.

Genome-Nilou Lab
Classification: Uncertain significance for Peutz-Jeghers syndrome. Last evaluated: 2021-07-15. Review status: criteria provided, single submitter. Criteria: ACMG Guidelines, 2015. Collection method: clinical testing. Allele origin: germline. Affected: no.

NM_000455.5(STK11):c.53T>C (p.Met18Thr)

Gene: STK11 (serine/threonine kinase 11; plus strand). Cytogenetic location: 19p13.3.
Variant type: single nucleotide variant.
Coding change: c.53T>C on transcript NM_000455.5 (MANE Select); coding-DNA position 53, T replaced by C.
Protein change: p.Met18Thr; replaces methionine 18 with threonine.
Molecular consequence: missense variant.
Genome position (GRCh38, 1-based): chr19:1,206,966, T>C. VCF-style: chr19-1206966-T-C. GRCh37 (hg19) VCF-style: chr19-1206965-T-C.
Other names: short protein forms M18T.
Identifiers: ClinVar variation 480712 (VCV000480712.16), dbSNP rs1555734894, ClinGen allele CA089423.